The following is an entry in ClinVar:

ClinVar aggregate classification (germline): Pathogenic (1 of 4 stars; one submission).

Conditions:
Primary ciliary dyskinesia 3. Identifiers: Orphanet 244, MedGen C1837618, MONDO:0012085, OMIM 608644.

Submission:

Myriad Genetics, Inc.
Classification: Pathogenic for Primary ciliary dyskinesia 3. Last evaluated: 2024-05-14. Review status: criteria provided, single submitter. Criteria: Myriad Autosomal Dominant, Autosomal Recessive and X-Linked Classification Criteria (2023). Collection method: clinical testing. Allele origin: unknown.
Comment: NM_001369.2(DNAH5):c.1256_1257ins13(I420Vfs*14) is expected to be pathogenic in the context of primary ciliary dyskinesia, DNAH5-related. This variant is predicted to lead to an abnormal or absent protein product due to the creation of a premature termination codon in DNAH5, a gene where loss-of-function variants are known to be pathogenic. Please note: this variant was assessed in the context of healthy population screening.

NM_001369.3(DNAH5):c.1256_1257insTGTCTCTTATACA (p.Ile420fs)

Gene: DNAH5 (dynein axonemal heavy chain 5; minus strand). Cytogenetic location: 5p15.2.
Variant type: Insertion.
Coding change: c.1256_1257insTGTCTCTTATACA on transcript NM_001369.3 (MANE Select); coding-DNA positions 1256 to 1257, TGTCTCTTATACA inserted.
Protein change: p.Ile420fs; shifts the reading frame from isoleucine 420.
Molecular consequence: frameshift variant.
Genome position: GRCh38 VCF-style: chr5-13914583-G-GTGTATAAGAGACA. GRCh37 (hg19) VCF-style: chr5-13914692-G-GTGTATAAGAGACA.
Other names: short protein forms I420fs.
Identifiers: ClinVar variation 5011067 (VCV005011067.1).